The following is an entry in ClinVar:

ClinVar aggregate classification (germline): Uncertain significance (1 of 4 stars; one submission).

Submission:

GeneDx
Classification: Uncertain significance. Last evaluated: 2026-03-27. Review status: criteria provided, single submitter. Criteria: GeneDx Variant Classification Process June 2021. Collection method: clinical testing. Allele origin: germline.
Comment: Not observed at significant frequency in large population cohorts (gnomAD); In silico analysis supports that this missense variant has a deleterious effect on protein structure/function; Has not been previously published as pathogenic or benign to our knowledge

NM_181303.2(NLGN3):c.1942C>T (p.Pro648Ser)

Gene: NLGN3 (neuroligin 3; plus strand). Cytogenetic location: Xq13.1.
Variant type: single nucleotide variant.
Coding change: c.1942C>T on transcript NM_181303.2 (MANE Select); coding-DNA position 1942, C replaced by T.
Protein change: p.Pro648Ser; replaces proline 648 with serine.
Molecular consequence: missense variant.
Genome position (GRCh38, 1-based): chrX:71,169,492, C>T. VCF-style: chrX-71169492-C-T. GRCh37 (hg19) VCF-style: chrX-70389342-C-T.
Other names: c.1822C>T, p.Pro608Ser (NM_001166660.2); c.1531C>T, p.Pro511Ser (NM_001321276.2, NM_001438298.1); c.1591C>T, p.Pro531Ser (NM_001437941.1, NM_001438296.1); c.1882C>T, p.Pro628Ser (NM_018977.4); short protein forms P511S, P531S, P608S, P628S, P648S.
Identifiers: ClinVar variation 5017477 (VCV005017477.1).